The following is an entry in ClinVar:

NM_001267550.2(TTN):c.101055T>A (p.Asp33685Glu)

Genes: TTN-AS1 (TTN antisense RNA 1; plus strand), TTN (titin; minus strand). Cytogenetic location: 2q31.2.
Variant type: single nucleotide variant.
Coding change: c.101055T>A on transcript NM_001267550.2 (MANE Select); coding-DNA position 101055, T replaced by A.
Protein change: p.Asp33685Glu; replaces aspartic acid 33685 with glutamic acid.
Molecular consequence: missense variant.
Genome position (GRCh38, 1-based): chr2:178,535,560, A>T on the plus strand (T>A on the coding strand, the complement: TTN is on the minus strand). VCF-style: chr2-178535560-A-T. GRCh37 (hg19) VCF-style: chr2-179400287-A-T.
Other names: c.96132T>A, p.Asp32044Glu (NM_001256850.1); c.73860T>A, p.Asp24620Glu (NM_003319.4); c.93351T>A, p.Asp31117Glu (NM_133378.4); c.74235T>A, p.Asp24745Glu (NM_133432.3); c.74436T>A, p.Asp24812Glu (NM_133437.4); short protein forms D24812E, D24620E, D32044E, D33685E, D24745E, D31117E.
Identifiers: ClinVar variation 1897512 (VCV001897512.5), dbSNP rs372788551, ClinGen allele CA349421887.

ClinVar aggregate classification (germline): Uncertain significance (1 of 4 stars; one submission).

Conditions:
Dilated cardiomyopathy 1G (CMD1G). Identifiers: Orphanet 154, MedGen C1858763, MONDO:0011400, OMIM 604145.
Autosomal recessive limb-girdle muscular dystrophy type 2J (LGMDR10). Also called: Limb-girdle muscular dystrophy, type 2J; MUSCULAR DYSTROPHY, LIMB-GIRDLE, AUTOSOMAL RECESSIVE 10. Identifiers: Orphanet 140922, MedGen C1837342, MONDO:0012127, OMIM 608807.

Submission:

Labcorp Genetics (formerly Invitae), Labcorp
Classification: Uncertain significance for Dilated cardiomyopathy 1G; Autosomal recessive limb-girdle muscular dystrophy type 2J. Last evaluated: 2022-10-17. Review status: criteria provided, single submitter. Criteria: Invitae Variant Classification Sherloc (09022015). Collection method: clinical testing. Allele origin: germline.
Comment: This variant is located in the M band of TTN (PMID: 25589632). Variants in this region may be relevant for neuromuscular disorders, but have not been definitively shown to cause cardiomyopathy (PMID: 23975875). In summary, the available evidence is currently insufficient to determine the role of this variant in disease. Therefore, it has been classified as a Variant of Uncertain Significance. Experimental studies and prediction algorithms are not available or were not evaluated, and the functional significance of this variant is currently unknown. This variant has not been reported in the literature in individuals affected with TTN-related conditions. This variant is not present in population databases (gnomAD no frequency). This sequence change replaces aspartic acid, which is acidic and polar, with glutamic acid, which is acidic and polar, at codon 33685 of the TTN protein (p.Asp33685Glu).

Literature cited by the submitters: PubMed 25589632; PubMed 23975875.